The following is an entry in ClinVar:

ClinVar aggregate classification (germline): Uncertain significance. Review status: criteria provided, multiple submitters, no conflicts (2 of 4 stars). 2 submissions from 2 submitters: Uncertain significance (2). Last evaluated 2025-07-31.

Conditions:
Hereditary cancer-predisposing syndrome. Also called: Neoplastic Syndromes, Hereditary; Hereditary Cancer Syndrome; Hereditary neoplastic syndrome; Tumor predisposition. Identifiers: Orphanet 140162, MedGen C0027672, MeSH D009386, MONDO:0015356.

Submissions (2):

Labcorp Genetics (formerly Invitae), Labcorp
Classification: Uncertain significance. Last evaluated: 2025-07-31. Review status: criteria provided, single submitter. Criteria: Invitae Variant Classification Sherloc (09022015). Collection method: clinical testing. Allele origin: germline.
Comment: This sequence change replaces glutamine, which is neutral and polar, with histidine, which is basic and polar, at codon 148 of the MSH3 protein (p.Gln148His). This variant is not present in population databases (gnomAD no frequency). This variant has not been reported in the literature in individuals affected with MSH3-related conditions. ClinVar contains an entry for this variant (Variation ID: 1437449). An algorithm developed to predict the effect of missense changes on protein structure and function (PolyPhen-2) suggests that this variant is likely to be tolerated. In summary, the available evidence is currently insufficient to determine the role of this variant in disease. Therefore, it has been classified as a Variant of Uncertain Significance.

Ambry Genetics
Classification: Uncertain significance for Hereditary cancer-predisposing syndrome. Last evaluated: 2022-09-26. Review status: criteria provided, single submitter. Criteria: Ambry Variant Classification Scheme 2023. Collection method: clinical testing. Allele origin: germline.
Comment: The p.Q148H variant (also known as c.444A>C), located in coding exon 3 of the MSH3 gene, results from an A to C substitution at nucleotide position 444. The glutamine at codon 148 is replaced by histidine, an amino acid with highly similar properties. This amino acid position is conserved. In addition, this alteration is predicted to be tolerated by in silico analysis. Since supporting evidence is limited at this time, the clinical significance of this alteration remains unclear.

NM_002439.5(MSH3):c.444A>C (p.Gln148His)

Gene: MSH3 (mutS homolog 3; plus strand). Cytogenetic location: 5q14.1.
Variant type: single nucleotide variant.
Coding change: c.444A>C on transcript NM_002439.5 (MANE Select); coding-DNA position 444, A replaced by C.
Protein change: p.Gln148His; replaces glutamine 148 with histidine.
Molecular consequence: missense variant.
Genome position (GRCh38, 1-based): chr5:80,665,228, A>C. VCF-style: chr5-80665228-A-C. GRCh37 (hg19) VCF-style: chr5-79961047-A-C.
Other names: short protein forms Q148H.
Identifiers: ClinVar variation 1437449 (VCV001437449.10), dbSNP rs773751711, ClinGen allele CA360263446.